The following is an entry in ClinVar:

NM_000256.3(MYBPC3):c.1638G>A (p.Glu546=)

Gene: MYBPC3 (myosin binding protein C3; minus strand). Cytogenetic location: 11p11.2.
Variant type: single nucleotide variant.
Coding change: c.1638G>A on transcript NM_000256.3 (MANE Select); coding-DNA position 1638, G replaced by A.
Protein change: p.Glu546=; no amino-acid change (glutamic acid 546 retained).
Molecular consequence: synonymous variant.
Genome position (GRCh38, 1-based): chr11:47,342,143, C>T on the plus strand (G>A on the coding strand, the complement: MYBPC3 is on the minus strand). VCF-style: chr11-47342143-C-T. GRCh37 (hg19) VCF-style: chr11-47363694-C-T.
Identifiers: ClinVar variation 880254 (VCV000880254.14), dbSNP rs976630639, ClinGen allele CA221695127.

ClinVar aggregate classification (germline): Conflicting classifications of pathogenicity. Review status: criteria provided, conflicting classifications (1 of 4 stars). 6 submissions from 5 submitters: Uncertain significance (2); Likely benign (4). Last evaluated 2026-09-01.

Conditions:
Left ventricular noncompaction 10 (LVNC10). Identifiers: Orphanet 154, Orphanet 54260, MedGen C3715165, MONDO:0014163, OMIM 615396.
Hypertrophic cardiomyopathy. Also called: HYPERTROPHIC MYOCARDIOPATHY. Identifiers: Orphanet 217569, MedGen C0007194, MeSH D002312, MONDO:0005045, HP:0001639.
Cardiovascular phenotype. Identifiers: MedGen CN230736.
Cardiomyopathy (CMYO). Also called: Cardiomyopathies. Identifiers: Orphanet 167848, MedGen C0878544, MONDO:0004994, HP:0001638. Inheritance: Various modes of inheritance.
Hypertrophic cardiomyopathy 4. Also called: Familial hypertrophic cardiomyopathy 4. Identifiers: MedGen C1861862, MONDO:0007268, OMIM 115197.

Allele frequency attached by ClinVar (database versions not stated): gnomAD exomes below 0.00001 and 0.00001; gnomAD 0.00001; TOPMed 0.00001.
gnomAD v4.1: 8 of 1,613,894 alleles (0.0005%); highest among the groups gnomAD compares: Admixed American, 0.0083%; no homozygotes.

Submissions (6):

CeGaT Center for Human Genetics Tuebingen
Classification: Likely benign. Last evaluated: 2026-09-01. Review status: criteria provided, single submitter. Criteria: CeGaT Center For Human Genetics Tuebingen Variant Classification Criteria Version 2. Collection method: clinical testing. Allele origin: germline. Affected: yes. Observed: 1 variant allele.
Comment: MYBPC3: BP4, BP7

Ambry Genetics
Classification: Likely benign for Cardiovascular phenotype. Last evaluated: 2026-03-21. Review status: criteria provided, single submitter. Criteria: Ambry Variant Classification Scheme 2023. Collection method: clinical testing. Allele origin: germline.

Labcorp Genetics (formerly Invitae), Labcorp
Classification: Likely benign for Hypertrophic cardiomyopathy. Last evaluated: 2023-12-14. Review status: criteria provided, single submitter. Criteria: Invitae Variant Classification Sherloc (09022015). Collection method: clinical testing. Allele origin: germline.

Color Diagnostics, LLC DBA Color Health
Classification: Likely benign for Cardiomyopathy. Last evaluated: 2022-11-06. Review status: criteria provided, single submitter. Criteria: ACMG Guidelines, 2015. Collection method: clinical testing. Allele origin: germline.

Illumina Laboratory Services, Illumina
Classification: Uncertain significance for Hypertrophic cardiomyopathy 4. Last evaluated: 2018-01-13. Review status: criteria provided, single submitter. Criteria: ICSL Variant Classification Criteria 13 December 2019. Collection method: clinical testing. Allele origin: germline.

Illumina Laboratory Services, Illumina
Classification: Uncertain significance for Left ventricular noncompaction 10. Last evaluated: 2018-01-13. Review status: criteria provided, single submitter. Criteria: ICSL Variant Classification Criteria 13 December 2019. Collection method: clinical testing. Allele origin: germline.